The following is an entry in ClinVar:

NM_002609.4(PDGFRB):c.2627T>G (p.Phe876Cys)

Gene: PDGFRB (platelet derived growth factor receptor beta; minus strand). Cytogenetic location: 5q32.
Variant type: single nucleotide variant.
Coding change: c.2627T>G on transcript NM_002609.4 (MANE Select); coding-DNA position 2627, T replaced by G.
Protein change: p.Phe876Cys; replaces phenylalanine 876 with cysteine.
Molecular consequence: missense variant.
Genome position (GRCh38, 1-based): chr5:150,120,083, A>C on the plus strand (T>G on the coding strand, the complement: PDGFRB is on the minus strand). VCF-style: chr5-150120083-A-C. GRCh37 (hg19) VCF-style: chr5-149499646-A-C.
Other names: c.2435T>G, p.Phe812Cys (NM_001355016.2); c.2144T>G, p.Phe715Cys (NM_001355017.2); short protein forms F715C, F812C, F876C.
Identifiers: ClinVar variation 3347861 (VCV003347861.1).

ClinVar aggregate classification (germline): Uncertain significance (0 of 4 stars; one submission).

Conditions:
PDGFRB-related disorder. Also called: PDGFRB-related condition.

Submission:

PreventionGenetics, part of Exact Sciences
Classification: Uncertain significance for PDGFRB-related condition. Last evaluated: 2024-08-21. Review status: no assertion criteria provided. Collection method: clinical testing. Allele origin: germline.
Comment: The PDGFRB c.2627T>G variant is predicted to result in the amino acid substitution p.Phe876Cys. To our knowledge, this variant has not been reported in the literature or in a large population database, indicating this variant is rare. At this time, the clinical significance of this variant is uncertain due to the absence of conclusive functional and genetic evidence.